The following is an entry in ClinVar:

NM_003073.5(SMARCB1):c.812G>A (p.Gly271Glu)

Gene: SMARCB1 (SWI/SNF related BAF chromatin remodeling complex subunit B1; plus strand). Cytogenetic location: 22q11.23.
Variant type: single nucleotide variant.
Coding change: c.812G>A on transcript NM_003073.5 (MANE Select); coding-DNA position 812, G replaced by A.
Protein change: p.Gly271Glu; replaces glycine 271 with glutamic acid.
Molecular consequence: missense variant.
Genome position (GRCh38, 1-based): chr22:23,825,241, G>A. VCF-style: chr22-23825241-G-A. GRCh37 (hg19) VCF-style: chr22-24167428-G-A.
Other names: c.785G>A, p.Gly262Glu (NM_001007468.3); c.839G>A, p.Gly280Glu (NM_001317946.2); c.866G>A, p.Gly289Glu (NM_001362877.2); short protein forms G271E, G289E, G262E, G280E.
Identifiers: ClinVar variation 1029505 (VCV001029505.2), dbSNP rs2030318562, ClinGen allele CA410906813.

ClinVar aggregate classification (germline): Likely pathogenic. Review status: criteria provided, single submitter (1 of 4 stars). 2 submissions from 1 submitter: Likely pathogenic (2). Last evaluated 2021-06-10.

Conditions:
Intellectual disability, autosomal dominant 15 (CSS3). Also called: COFFIN-SIRIS SYNDROME 3. Identifiers: Orphanet 1465, MedGen C3553248, MONDO:0013820, OMIM 614608.
SMARCB1-related BAFopathy.

Submissions (2):

Baylor Genetics
Classification: Likely pathogenic for SMARCB1-related BAFopathy. Last evaluated: 2021-06-10. Review status: criteria provided, single submitter. Criteria: ACMG Guidelines, 2015. Collection method: clinical testing. Allele origin: de novo. Affected: yes.

Baylor Genetics
Classification: Likely pathogenic for Intellectual disability, autosomal dominant 15. Last evaluated: 2020-01-11. Review status: criteria provided, single submitter. Criteria: ACMG Guidelines, 2015. Collection method: clinical testing. Allele origin: de novo. Affected: yes.
Comment: This variant was determined to be likely pathogenic according to ACMG Guidelines, 2015 [PMID:25741868].